The following is an entry in ClinVar:

ClinVar aggregate classification (germline): Pathogenic. Review status: criteria provided, multiple submitters, no conflicts (2 of 4 stars). 2 submissions from 2 submitters: Pathogenic (2). Last evaluated 2026-09-08.

Conditions:
Fabry disease. Also called: ALPHA-GALACTOSIDASE A DEFICIENCY; Fabry's disease; Ceramide trihexosidosis; Angiokeratoma corporis diffusum; ANDERSON-FABRY DISEASE; CERAMIDE TRIHEXOSIDASE DEFICIENCY. Identifiers: Orphanet 324, MedGen C0002986, MONDO:0010526, OMIM 301500, HP:0001071. Disease mechanism: loss of function, Fabry disease is due to inactivating mutations in the X-linked GLA gene resulting in deficiency of the enzyme Alpha Galactosidase-A..

Submissions (2):

Genomenon, Inc
Classification: Pathogenic for Fabry disease. Last evaluated: 2026-09-08. Review status: criteria provided, single submitter. Criteria: Genomenon Sequence Variant Interpretation Standards - Updated. Collection method: curation. Allele origin: germline. Affected: yes.
Comment: GLA p.Arg49Gly (c.145C>G) is a missense variant that changes the amino acid at codon 49 from Arginine to Glycine. This variant has been observed in at least one proband with clinical features consistent with Fabry disease (PMID:33986771;31996269;12428061;36140787;37430370;31718986). The variant was found to segregate with disease in at least one affected family (PMID:33986771;36140787). At least one functional study has demonstrated a substantial alteration in protein function relative to the wild-type (PMID:32023956;23935525;27657681). This variant is located in a mutational hotspot and/or important functional domain. It is absent or not present at a significant frequency in gnomAD. In silico models predict that this variant is possibly or probably damaging. In conclusion, we classify GLA p.Arg49Gly (c.145C>G) as a pathogenic variant.

Labcorp Genetics (formerly Invitae), Labcorp
Classification: Pathogenic for Fabry disease. Last evaluated: 2025-01-22. Review status: criteria provided, single submitter. Criteria: Invitae Variant Classification Sherloc (09022015). Collection method: clinical testing. Allele origin: germline.
Comment: This sequence change replaces arginine, which is basic and polar, with glycine, which is neutral and non-polar, at codon 49 of the GLA protein (p.Arg49Gly). This variant is not present in population databases (gnomAD no frequency). This missense change has been observed in individuals with Fabry disease (PMID: 12428061, 33986771). It has also been observed to segregate with disease in related individuals. Invitae Evidence Modeling of protein sequence and biophysical properties (such as structural, functional, and spatial information, amino acid conservation, physicochemical variation, residue mobility, and thermodynamic stability) indicates that this missense variant is expected to disrupt GLA protein function with a positive predictive value of 80%. This variant disrupts the p.Arg49 amino acid residue in GLA. Other variant(s) that disrupt this residue have been determined to be pathogenic (PMID: 11668641, 12428061, 31996269; internal data). This suggests that this residue is clinically significant, and that variants that disrupt this residue are likely to be disease-causing. For these reasons, this variant has been classified as Pathogenic.

Literature cited by the submitters: PubMed 33986771 (cited by Genomenon, Inc and Labcorp Genetics (formerly Invitae), Labcorp); PubMed 31996269 (cited by Genomenon, Inc and Labcorp Genetics (formerly Invitae), Labcorp); PubMed 12428061 (cited by Genomenon, Inc and Labcorp Genetics (formerly Invitae), Labcorp); PubMed 36140787 (cited by Genomenon, Inc); PubMed 37430370 (cited by Genomenon, Inc); PubMed 31718986 (cited by Genomenon, Inc); PubMed 32023956 (cited by Genomenon, Inc); PubMed 23935525 (cited by Genomenon, Inc); PubMed 27657681 (cited by Genomenon, Inc); PubMed 11668641 (cited by Labcorp Genetics (formerly Invitae), Labcorp).

NM_000169.3(GLA):c.145C>G (p.Arg49Gly)

Genes: GLA (galactosidase alpha; minus strand), RPL36A-HNRNPH2 (RPL36A-HNRNPH2 readthrough; plus strand). Cytogenetic location: Xq22.1.
Variant type: single nucleotide variant.
Coding change: c.145C>G on transcript NM_000169.3 (MANE Select); coding-DNA position 145, C replaced by G.
Protein change: p.Arg49Gly; replaces arginine 49 with glycine.
Molecular consequence: missense variant. On other transcripts: non-coding transcript variant (3), intron variant (2).
Genome position (GRCh38, 1-based): chrX:101,407,759, G>C on the plus strand (C>G on the coding strand, the complement: GLA is on the minus strand). VCF-style: chrX-101407759-G-C. GRCh37 (hg19) VCF-style: chrX-100662747-G-C.
Other names: c.145C>G, p.Arg49Gly (NM_001406747.1, NM_001406748.1, NM_001406749.1); c.301-4177G>C (NM_001199973.2); c.178-4177G>C (NM_001199974.2); short protein forms R49G.
Identifiers: ClinVar variation 3724335 (VCV003724335.4).